The following is an entry in ClinVar:

ClinVar aggregate classification (germline): Uncertain significance. Review status: criteria provided, multiple submitters, no conflicts (2 of 4 stars). 2 submissions from 2 submitters: Uncertain significance (2). Last evaluated 2026-10-25.

Conditions:
Inborn genetic diseases. Identifiers: MedGen C0950123, MeSH D030342.

Submissions (2):

GeneDx
Classification: Uncertain significance. Last evaluated: 2026-10-25. Review status: criteria provided, single submitter. Criteria: GeneDx Variant Classification Process June 2021. Collection method: clinical testing. Allele origin: germline.
Comment: Not observed at significant frequency in large population cohorts (gnomAD); In silico analysis suggests that this missense variant does not alter protein structure/function; Has not been previously published as pathogenic or benign to our knowledge

Ambry Genetics
Classification: Uncertain significance for Inborn genetic diseases. Last evaluated: 2026-06-04. Review status: criteria provided, single submitter. Criteria: Ambry Variant Classification Scheme 2023. Collection method: clinical testing. Allele origin: germline.

NM_013275.6(ANKRD11):c.7733T>C (p.Val2578Ala)

Gene: ANKRD11 (ankyrin repeat domain 11; minus strand). Cytogenetic location: 16q24.3.
Variant type: single nucleotide variant.
Coding change: c.7733T>C on transcript NM_013275.6 (MANE Select); coding-DNA position 7733, T replaced by C.
Protein change: p.Val2578Ala; replaces valine 2578 with alanine.
Molecular consequence: missense variant.
Genome position (GRCh38, 1-based): chr16:89,270,890, A>G on the plus strand (T>C on the coding strand, the complement: ANKRD11 is on the minus strand). VCF-style: chr16-89270890-A-G. GRCh37 (hg19) VCF-style: chr16-89337298-A-G.
Other names: c.7733T>C (NM_013275.4); c.7733T>C, p.Val2578Ala (NM_001256182.2, NM_001256183.2); short protein forms V2578A.
Identifiers: ClinVar variation 3375831 (VCV003375831.3).